The following is an entry in ClinVar:

NM_006610.4(MASP2):c.234+6G>A

Gene: MASP2 (MBL associated serine protease 2; minus strand). Cytogenetic location: 1p36.22.
Variant type: single nucleotide variant.
Coding change: c.234+6G>A on transcript NM_006610.4 (MANE Select); 6 bases into the intron after coding-DNA position 234, G replaced by A.
Molecular consequence: intron variant.
Genome position (GRCh38, 1-based): chr1:11,046,885, C>T on the plus strand (G>A on the coding strand, the complement: MASP2 is on the minus strand). VCF-style: chr1-11046885-C-T. GRCh37 (hg19) VCF-style: chr1-11106942-C-T.
Other names: c.234+6G>A (NM_139208.3).
Identifiers: ClinVar variation 291810 (VCV000291810.7), dbSNP rs183487544, ClinGen allele CA587226.
Genomic context (GRCh38, chr1:11,046,885, plus strand): 5'-AACCCTGGCTACTCCTTGGGGACCCCCCGACCCTGAGAAACCCCAGCCCTCCCGTCCTGA[C>T]GGCACCTTGACGAAGTCGTACTCGCAGAGGTGGGAGAGCTCCAGGTCGAAGTGGGTGAAG-3'

ClinVar aggregate classification (germline): Conflicting classifications of pathogenicity. Review status: criteria provided, conflicting classifications (1 of 4 stars). 3 submissions from 3 submitters: Uncertain significance (1); Likely benign (2). Last evaluated 2026-07-31.

Conditions:
Immunodeficiency due to MASP-2 deficiency. Also called: MASP2 deficiency; LECTIN COMPLEMENT ACTIVATION PATHWAY, DEFECT IN, 2. Identifiers: Orphanet 331187, MedGen C3151085, MONDO:0013423, OMIM 613791.
MASP2-related disorder. Also called: MASP2-related condition.

Allele frequency attached by ClinVar (database versions not stated): gnomAD exomes 0.00008 and 0.00023; TOPMed 0.00017; gnomAD 0.00019 and 0.00023; ExAC 0.00041; 1000 Genomes Project 30x 0.00078; 1000 Genomes Project 0.00080.
gnomAD v4.1: 182 of 1,561,844 alleles (0.012%); highest among the groups gnomAD compares: East Asian, 0.093%; 1 homozygote.

Submissions (3):

PreventionGenetics, part of Exact Sciences
Classification: Likely benign for MASP2-related condition. Last evaluated: 2026-07-31. Review status: criteria provided, single submitter. Criteria: ACMG Guidelines, 2015. Collection method: clinical testing. Allele origin: germline.
Comment: This variant is classified as likely benign based on ACMG/AMP sequence variant interpretation guidelines (Richards et al. 2015 PMID: 25741868, with internal and published modifications).

Blueprint Genetics
Classification: Likely benign. Last evaluated: 2024-11-25. Review status: criteria provided, single submitter. Criteria: ACMG Guidelines, 2015. Collection method: clinical testing. Allele origin: germline.

Illumina Laboratory Services, Illumina
Classification: Uncertain significance for Immunodeficiency due to MASP-2 deficiency. Last evaluated: 2018-01-12. Review status: criteria provided, single submitter. Criteria: ICSL Variant Classification Criteria 13 December 2019. Collection method: clinical testing. Allele origin: germline.